The following is an entry in ClinVar:

NC_000014.9:g.60641729C>G

Gene: SIX1 (SIX homeobox 1; minus strand). Cytogenetic location: 14q23.1.
Variant type: single nucleotide variant.
Genome position: GRCh38 VCF-style: chr14-60641729-C-G. GRCh37 (hg19) VCF-style: chr14-61108447-C-G.
Identifiers: ClinVar variation 2644270 (VCV002644270.24), dbSNP rs149786884, ClinGen allele CA261718131.

ClinVar aggregate classification (germline): Benign (1 of 4 stars; one submission).

Allele frequency attached by ClinVar (database versions not stated): 1000 Genomes Project 0.00200; 1000 Genomes Project 30x 0.00219; gnomAD 0.00348; TOPMed 0.00355.

Submission:

CeGaT Center for Human Genetics Tuebingen
Classification: Benign. Last evaluated: 2022-04-01. Review status: criteria provided, single submitter. Criteria: CeGaT Center For Human Genetics Tuebingen Variant Classification Criteria Version 2. Collection method: clinical testing. Allele origin: germline. Affected: yes. Observed: 1 variant allele.
Comment: SIX1: BS1, BS2